The following is an entry in ClinVar:

ClinVar aggregate classification (germline): Pathogenic (1 of 4 stars; one submission).

Conditions:
Ellis-van Creveld syndrome (EVC). Also called: MESOECTODERMAL DYSPLASIA; Chondroectodermal dysplasia. Identifiers: Orphanet 289, MedGen C0013903, MONDO:0009162, OMIM 225500.

Submission:

Myriad Genetics, Inc.
Classification: Pathogenic for Ellis-van Creveld syndrome. Last evaluated: 2023-10-05. Review status: criteria provided, single submitter. Criteria: Myriad Autosomal Dominant, Autosomal Recessive and X-Linked Classification Criteria (2023). Collection method: clinical testing. Allele origin: unknown.
Comment: NM_153717.2(EVC):c.1193_1194ins17(A399Lfs*107) is expected to be pathogenic in the context of EVC-related Ellis-van Creveld syndrome. This variant is predicted to lead to an abnormal or absent protein product due to the creation of a premature termination codon in EVC, a gene where loss-of-function variants are known to be pathogenic. Please note: this variant was assessed in the context of healthy population screening.

NM_153717.3(EVC):c.1193_1194insACTGTCTCTTATACACA (p.Ala399fs)

Gene: EVC (EvC ciliary complex subunit 1; plus strand). Cytogenetic location: 4p16.2.
Variant type: Insertion.
Coding change: c.1193_1194insACTGTCTCTTATACACA on transcript NM_153717.3 (MANE Select); coding-DNA positions 1193 to 1194, ACTGTCTCTTATACACA inserted.
Protein change: p.Ala399fs; shifts the reading frame from alanine 399.
Molecular consequence: frameshift variant.
Genome position: GRCh38 VCF-style: chr4-5752930-C-CACTGTCTCTTATACACA. GRCh37 (hg19) VCF-style: chr4-5754657-C-CACTGTCTCTTATACACA.
Other names: c.1193_1194insACTGTCTCTTATACACA, p.Ala399fs (NM_001306090.2, NM_001306092.2); short protein forms A399fs.
Identifiers: ClinVar variation 5012362 (VCV005012362.1).